The following is an entry in ClinVar:

NM_022746.4(MTARC1):c.560T>A (p.Met187Lys)

Gene: MTARC1 (mitochondrial amidoxime reducing component 1; plus strand). Cytogenetic location: 1q41.
Variant type: single nucleotide variant.
Coding change: c.560T>A on transcript NM_022746.4 (MANE Select); coding-DNA position 560, T replaced by A.
Protein change: p.Met187Lys; replaces methionine 187 with lysine.
Molecular consequence: missense variant.
Genome position (GRCh38, 1-based): chr1:220,796,753, T>A. VCF-style: chr1-220796753-T-A. GRCh37 (hg19) VCF-style: chr1-220970095-T-A.
Other names: short protein forms M187K.
Identifiers: ClinVar variation 708513 (VCV000708513.24), dbSNP rs17850677, ClinGen allele CA1404425.

ClinVar aggregate classification (germline): Benign. Review status: criteria provided, multiple submitters, no conflicts (2 of 4 stars). 3 submissions from 3 submitters: Benign (3). Last evaluated 2024-04-01.

Allele frequency attached by ClinVar (database versions not stated): 1000 Genomes Project 30x 0.00187; 1000 Genomes Project 0.00220; TOPMed 0.00653; ESP Exome Variant Server 0.00792; ExAC 0.00880.

Submissions (3):

CeGaT Center for Human Genetics Tuebingen
Classification: Benign. Last evaluated: 2024-04-01. Review status: criteria provided, single submitter. Criteria: CeGaT Center For Human Genetics Tuebingen Variant Classification Criteria Version 2. Collection method: clinical testing. Allele origin: germline. Affected: yes. Observed: 1 variant allele.
Comment: MTARC1: BS1, BS2

Labcorp Genetics (formerly Invitae), Labcorp
Classification: Benign. Last evaluated: 2018-01-11. Review status: criteria provided, single submitter. Criteria: Invitae Variant Classification Sherloc (09022015). Collection method: clinical testing. Allele origin: germline.

Breakthrough Genomics
Classification: Benign. Review status: criteria provided, single submitter. Criteria: ACMG Guidelines, 2015. Collection method: not provided. Allele origin: germline. Inheritance: Unknown mechanism. Affected: yes.